The following is an entry in ClinVar:

NM_024580.6(EFL1):c.801G>T (p.Leu267Phe)

Gene: EFL1 (elongation factor like GTPase 1; minus strand). Cytogenetic location: 15q25.2.
Variant type: single nucleotide variant.
Coding change: c.801G>T on transcript NM_024580.6 (MANE Select); coding-DNA position 801, G replaced by T.
Protein change: p.Leu267Phe; replaces leucine 267 with phenylalanine.
Molecular consequence: missense variant. On other transcripts: non-coding transcript variant (1).
Genome position (GRCh38, 1-based): chr15:82,230,902, C>A on the plus strand (G>T on the coding strand, the complement: EFL1 is on the minus strand). VCF-style: chr15-82230902-C-A. GRCh37 (hg19) VCF-style: chr15-82523243-C-A.
Other names: c.648G>T, p.Leu216Phe (NM_001040610.3); c.12G>T, p.Leu4Phe (NM_001322844.2); c.801G>T, p.Leu267Phe (NM_001322845.2); short protein forms L216F, L267F, L4F.
Identifiers: ClinVar variation 1519916 (VCV001519916.6), dbSNP rs374087805, ClinGen allele CA393278777.

ClinVar aggregate classification (germline): Uncertain significance (1 of 4 stars; one submission).

gnomAD v4.1: 3 of 1,613,534 alleles (0.00019%); highest among the groups gnomAD compares: Non-Finnish European, 0.00025%; no homozygotes.

Submission:

Labcorp Genetics (formerly Invitae), Labcorp
Classification: Uncertain significance. Last evaluated: 2023-05-22. Review status: criteria provided, single submitter. Criteria: Invitae Variant Classification Sherloc (09022015). Collection method: clinical testing. Allele origin: germline.
Comment: In summary, the available evidence is currently insufficient to determine the role of this variant in disease. Therefore, it has been classified as a Variant of Uncertain Significance. Advanced modeling of protein sequence and biophysical properties (such as structural, functional, and spatial information, amino acid conservation, physicochemical variation, residue mobility, and thermodynamic stability) performed at Invitae indicates that this missense variant is expected to disrupt EFL1 protein function. ClinVar contains an entry for this variant (Variation ID: 1519916). This variant has not been reported in the literature in individuals affected with EFL1-related conditions. This variant is not present in population databases (gnomAD no frequency). This sequence change replaces leucine, which is neutral and non-polar, with phenylalanine, which is neutral and non-polar, at codon 267 of the EFL1 protein (p.Leu267Phe).